The following is an entry in ClinVar:

NM_000206.3(IL2RG):c.78A>T (p.Thr26=)

Genes: IL2RG (interleukin 2 receptor subunit gamma; minus strand), LOC126863274 (MED14-independent group 3 enhancer GRCh37_chrX:70330888-70332087; plus strand). Cytogenetic location: Xq13.1.
Variant type: single nucleotide variant.
Coding change: c.78A>T on transcript NM_000206.3 (MANE Select); coding-DNA position 78, A replaced by T.
Protein change: p.Thr26=; no amino-acid change (threonine 26 retained).
Molecular consequence: synonymous variant.
Genome position (GRCh38, 1-based): chrX:71,111,462, T>A on the plus strand (A>T on the coding strand, the complement: IL2RG is on the minus strand). VCF-style: chrX-71111462-T-A. GRCh37 (hg19) VCF-style: chrX-70331312-T-A.
Identifiers: ClinVar variation 719477 (VCV000719477.43), dbSNP rs147424359, ClinGen allele CA10443952.

ClinVar aggregate classification (germline): Benign/Likely benign. Review status: criteria provided, multiple submitters, no conflicts (2 of 4 stars). 8 submissions from 8 submitters: Benign (1); Likely benign (3). 4 of the submissions do not count toward it. Last evaluated 2026-01-13.

Conditions:
IL2RG-related disorder. Also called: IL2RG-related condition.
X-linked severe combined immunodeficiency (SCIDX1). Also called: X-Linked Combined Immunodeficiency Diseases; IMMUNODEFICIENCY 4; T-B+ severe combined immunodeficiency due to gamma chain deficiency; SCID, X-LINKED; SEVERE COMBINED IMMUNODEFICIENCY, X-LINKED, T CELL-NEGATIVE, B CELL-POSITIVE, NK CELL-NEGATIVE. Identifiers: Orphanet 276, MedGen C6022468, MONDO:0010315, OMIM 300400. Disease mechanism: loss of function.

Allele frequency attached by ClinVar (database versions not stated): ExAC 0.00014; gnomAD exomes 0.00019; gnomAD 0.00023 and 0.00024; TOPMed 0.00034; ESP Exome Variant Server 0.00038.
gnomAD v4.1: 641 of 1,208,678 alleles (0.053%); highest among the groups gnomAD compares: Non-Finnish European, 0.07%; 1 homozygote.

Submissions (8):

Labcorp Genetics (formerly Invitae), Labcorp
Classification: Benign for X-linked severe combined immunodeficiency. Last evaluated: 2026-01-13. Review status: criteria provided, single submitter. Criteria: Invitae Variant Classification Sherloc (09022015). Collection method: clinical testing. Allele origin: germline.

Blueprint Genetics
Classification: Likely benign. Last evaluated: 2024-11-04. Review status: criteria provided, single submitter. Criteria: ACMG Guidelines, 2015. Collection method: clinical testing. Allele origin: germline.

CeGaT Center for Human Genetics Tuebingen
Classification: Likely benign. Last evaluated: 2022-12-01. Review status: criteria provided, single submitter. Criteria: CeGaT Center For Human Genetics Tuebingen Variant Classification Criteria Version 2. Collection method: clinical testing. Allele origin: germline. Affected: yes. Observed: 1 variant allele.
Comment: IL2RG: BP4, BP7, BS2

Illumina Laboratory Services, Illumina
Classification: Likely benign for X-linked severe combined immunodeficiency. Last evaluated: 2017-04-27. Review status: criteria provided, single submitter. Criteria: ICSL Variant Classification Criteria 13 December 2019. Collection method: clinical testing. Allele origin: germline.
Comment: This variant was observed as part of a predisposition screen in an ostensibly healthy population. A literature search was performed for the gene, cDNA change, and amino acid change (where applicable). No publications were found based on this search. Allele frequency data from public databases allowed determination this variant is unlikely to cause disease. Therefore, this variant is classified as likely benign.

Natera, Inc.
Classification: Likely benign for X-linked severe combined immunodeficiency. Last evaluated: 2020-04-11. Review status: no assertion criteria provided. Collection method: clinical testing. Allele origin: germline. Not counted in ClinVar's aggregate classification.

PreventionGenetics, part of Exact Sciences
Classification: Likely benign for IL2RG-related condition. Last evaluated: 2019-12-09. Review status: no assertion criteria provided. Collection method: clinical testing. Allele origin: germline. Not counted in ClinVar's aggregate classification.
Comment: This variant is classified as likely benign based on ACMG/AMP sequence variant interpretation guidelines (Richards et al. 2015 PMID: 25741868, with internal and published modifications).

Clinical Genetics DNA and cytogenetics Diagnostics Lab, Erasmus MC, Erasmus Medical Center
Classification: Likely benign. Review status: no assertion criteria provided. Collection method: clinical testing. Allele origin: germline. Affected: yes. Study: VKGL Data-share Consensus. Not counted in ClinVar's aggregate classification.

Genome Diagnostics Laboratory, University Medical Center Utrecht
Classification: Likely benign. Review status: no assertion criteria provided. Collection method: clinical testing. Allele origin: germline. Affected: yes. Study: VKGL Data-share Consensus. Not counted in ClinVar's aggregate classification.